The following is an entry in ClinVar:

NM_004269.4(MED27):c.483T>A (p.Tyr161Ter)

Gene: MED27 (mediator complex subunit 27; minus strand). Cytogenetic location: 9q34.13.
Variant type: single nucleotide variant.
Coding change: c.483T>A on transcript NM_004269.4 (MANE Select); coding-DNA position 483, T replaced by A.
Protein change: p.Tyr161Ter; replaces tyrosine 161 with a stop codon.
Molecular consequence: nonsense.
Genome position (GRCh38, 1-based): chr9:131,939,471, A>T on the plus strand (T>A on the coding strand, the complement: MED27 is on the minus strand). VCF-style: chr9-131939471-A-T. GRCh37 (hg19) VCF-style: chr9-134814858-A-T.
Other names: c.483T>A, p.Tyr161Ter (NM_001253881.2); short protein forms Y161*.
Identifiers: ClinVar variation 3375996 (VCV003375996.1).
Genomic context (GRCh38, chr9:131,939,471, plus strand): 5'-GGATAAGTGGATGGACATTTCAGGAAACATCCTGTCAATGCGGCTGATCACATCATCAAC[A>T]TATCTACATGGGAAAAAAATAAACATGTGTGAACTACAACTCCAGTTAAGAGCTACAGAT-3'

ClinVar aggregate classification (germline): Uncertain significance (1 of 4 stars; one submission).

gnomAD v4.1: 4 of 1,601,860 alleles (0.00025%); highest among the groups gnomAD compares: South Asian, 0.0045%; no homozygotes.

Submission:

GeneDx
Classification: Uncertain significance. Last evaluated: 2024-05-02. Review status: criteria provided, single submitter. Criteria: GeneDx Variant Classification Process June 2021. Collection method: clinical testing. Allele origin: germline. Affected: yes.
Comment: Not observed at significant frequency in large population cohorts (gnomAD); Nonsense variant predicted to result in protein truncation or nonsense mediated decay in a gene or region of a gene for which loss of function is not a well-established mechanism of disease; Has not been previously published as pathogenic or benign to our knowledge